The following is an entry in ClinVar:

ClinVar aggregate classification (germline): Uncertain significance (1 of 4 stars; one submission).

Conditions:
Alstrom syndrome (ALMS). Identifiers: Orphanet 64, MedGen C0268425, MONDO:0008763, OMIM 203800.

Submission:

Labcorp Genetics (formerly Invitae), Labcorp
Classification: Uncertain significance for Alstrom syndrome. Last evaluated: 2024-10-18. Review status: criteria provided, single submitter. Criteria: Invitae Variant Classification Sherloc (09022015). Collection method: clinical testing. Allele origin: germline.
Comment: This variant, c.3094_3234del, results in the deletion of 47 amino acid(s) of the ALMS1 protein (p.Thr1032_Ser1078del), but otherwise preserves the integrity of the reading frame. This variant is not present in population databases (gnomAD no frequency). This variant has not been reported in the literature in individuals affected with ALMS1-related conditions. ClinVar contains an entry for this variant (Variation ID: 1935600). Experimental studies and prediction algorithms are not available or were not evaluated, and the functional significance of this variant is currently unknown. In summary, the available evidence is currently insufficient to determine the role of this variant in disease. Therefore, it has been classified as a Variant of Uncertain Significance.

NM_001378454.1(ALMS1):c.3091_3231del (p.Thr1031_Ser1077del)

Gene: ALMS1 (ALMS1 centrosome and basal body associated protein; plus strand). Cytogenetic location: 2p13.1.
Variant type: Deletion.
Coding change: c.3091_3231del on transcript NM_001378454.1 (MANE Select); coding-DNA positions 3091 to 3231, 141 bases deleted.
Protein change: p.Thr1031_Ser1077del.
Molecular consequence: inframe deletion.
Genome position (GRCh38, 1-based): chr2:73,449,618-73,449,758, 141 bases deleted. GRCh37 (hg19): chr2:73,676,745-73,676,885.
Other names: c.3094_3234del, p.Thr1032_Ser1078del (NM_015120.4).
Identifiers: ClinVar variation 1935600 (VCV001935600.5), dbSNP rs2466096817, ClinGen allele CA2580067903.